The following is an entry in ClinVar:

NM_005529.7(HSPG2):c.6748G>T (p.Glu2250Ter)

Genes: HSPG2 (heparan sulfate proteoglycan 2; minus strand), LOC126805655 (CDK7 strongly-dependent group 2 enhancer GRCh37_chr1:22178409-22179608; plus strand). Cytogenetic location: 1p36.12.
Variant type: single nucleotide variant.
Coding change: c.6748G>T on transcript NM_005529.7 (MANE Select); coding-DNA position 6748, G replaced by T.
Protein change: p.Glu2250Ter; replaces glutamic acid 2250 with a stop codon.
Molecular consequence: nonsense.
Genome position (GRCh38, 1-based): chr1:21,852,210, C>A on the plus strand (G>T on the coding strand, the complement: HSPG2 is on the minus strand). VCF-style: chr1-21852210-C-A. GRCh37 (hg19) VCF-style: chr1-22178703-C-A.
Other names: c.6751G>T, p.Glu2251Ter (NM_001291860.2); short protein forms E2250*, E2251*.
Identifiers: ClinVar variation 2842310 (VCV002842310.3), dbSNP rs1572227825, ClinGen allele CA338928460.

ClinVar aggregate classification (germline): Pathogenic (1 of 4 stars; one submission).

Submission:

Labcorp Genetics (formerly Invitae), Labcorp
Classification: Pathogenic. Last evaluated: 2023-03-02. Review status: criteria provided, single submitter. Criteria: Invitae Variant Classification Sherloc (09022015). Collection method: clinical testing. Allele origin: germline.
Comment: This sequence change creates a premature translational stop signal (p.Glu2250*) in the HSPG2 gene. It is expected to result in an absent or disrupted protein product. Loss-of-function variants in HSPG2 are known to be pathogenic (PMID: 11279527, 16927315, 20542149, 23836246). This variant is not present in population databases (gnomAD no frequency). This variant has not been reported in the literature in individuals affected with HSPG2-related conditions. Algorithms developed to predict the effect of sequence changes on RNA splicing suggest that this variant may disrupt the consensus splice site. For these reasons, this variant has been classified as Pathogenic.

Literature cited by the submitters: PubMed 11279527; PubMed 16927315; PubMed 20542149; PubMed 23836246.